The following is an entry in ClinVar:

NM_000548.5(TSC2):c.4625C>G (p.Thr1542Ser)

Gene: TSC2 (TSC complex subunit 2; plus strand). Cytogenetic location: 16p13.3.
Variant type: single nucleotide variant.
Coding change: c.4625C>G on transcript NM_000548.5 (MANE Select); coding-DNA position 4625, C replaced by G.
Protein change: p.Thr1542Ser; replaces threonine 1542 with serine.
Molecular consequence: missense variant.
Genome position (GRCh38, 1-based): chr16:2,085,285, C>G. VCF-style: chr16-2085285-C-G. GRCh37 (hg19) VCF-style: chr16-2135286-C-G.
Other names: c.4424C>G, p.Thr1475Ser (NM_001077183.3); c.4556C>G, p.Thr1519Ser (NM_001114382.3); c.4316C>G, p.Thr1439Ser (NM_001318827.2); c.4280C>G, p.Thr1427Ser (NM_001318829.2); c.3893C>G, p.Thr1298Ser (NM_001318831.2); c.4457C>G, p.Thr1486Ser (NM_001318832.2); c.4427C>G, p.Thr1476Ser (NM_001363528.2); c.4493C>G, p.Thr1498Ser (NM_001370404.1); and 1 more; short protein forms T1298S, T1427S, T1439S, T1475S, T1476S, T1486S, T1498S, T1499S.
Identifiers: ClinVar variation 1692504 (VCV001692504.5), dbSNP rs2090628070, ClinGen allele CA394304835.

ClinVar aggregate classification (germline): Uncertain significance. Review status: criteria provided, multiple submitters, no conflicts (2 of 4 stars). 3 submissions from 3 submitters: Uncertain significance (3). Last evaluated 2025-05-06.

Conditions:
Hereditary cancer-predisposing syndrome. Also called: Neoplastic Syndromes, Hereditary; Hereditary Cancer Syndrome; Tumor predisposition; Hereditary neoplastic syndrome. Identifiers: Orphanet 140162, MedGen C0027672, MeSH D009386, MONDO:0015356.
Tuberous sclerosis 2 (TSC2). Identifiers: Orphanet 805, MedGen C1860707, MONDO:0013199, OMIM 613254.

Allele frequency attached by ClinVar (database versions not stated): gnomAD exomes below 0.00001.
gnomAD v4.1: 1 of 1,612,756 alleles (0.000062%); highest among the groups gnomAD compares: Non-Finnish European, 0.000085%; no homozygotes.

Submissions (3):

Labcorp Genetics (formerly Invitae), Labcorp
Classification: Uncertain significance for Tuberous sclerosis 2. Last evaluated: 2025-05-06. Review status: criteria provided, single submitter. Criteria: Invitae Variant Classification Sherloc (09022015). Collection method: clinical testing. Allele origin: germline.
Comment: This sequence change replaces threonine, which is neutral and polar, with serine, which is neutral and polar, at codon 1542 of the TSC2 protein (p.Thr1542Ser). This variant is not present in population databases (gnomAD no frequency). This variant has not been reported in the literature in individuals affected with TSC2-related conditions. ClinVar contains an entry for this variant (Variation ID: 1692504). Invitae Evidence Modeling of protein sequence and biophysical properties (such as structural, functional, and spatial information, amino acid conservation, physicochemical variation, residue mobility, and thermodynamic stability) indicates that this missense variant is not expected to disrupt TSC2 protein function with a negative predictive value of 95%. In summary, the available evidence is currently insufficient to determine the role of this variant in disease. Therefore, it has been classified as a Variant of Uncertain Significance.

Ambry Genetics
Classification: Uncertain significance for Hereditary cancer-predisposing syndrome. Last evaluated: 2024-05-01. Review status: criteria provided, single submitter. Criteria: Ambry Variant Classification Scheme 2023. Collection method: clinical testing. Allele origin: germline.
Comment: The p.T1542S variant (also known as c.4625C>G), located in coding exon 35 of the TSC2 gene, results from a C to G substitution at nucleotide position 4625. The threonine at codon 1542 is replaced by serine, an amino acid with similar properties. This amino acid position is conserved. In addition, this alteration is predicted to be deleterious by in silico analysis. Based on the available evidence, the clinical significance of this variant remains unclear.

Sema4
Classification: Uncertain significance for Hereditary cancer-predisposing syndrome. Last evaluated: 2021-05-28. Review status: criteria provided, single submitter. Criteria: Sema4 Curation Guidelines. Collection method: curation. Allele origin: germline.
Comment: The TSC2 c.4625C>G (p.T1542S) variant has not been reported in the literature to our knowledge. It was not observed in the large and broad cohorts of the Genome Aggregation Database (PMID: 32461654). The variant has not been reported in ClinVar. In silico tools suggest the impact of the variant on protein function is inconclusive, though these predictions have not been confirmed by functional studies. The evidence is insufficient to meet ACMG/AMP criteria for classifying the variant as benign or pathogenic. Thus, the clinical significance of this variant is currently uncertain.